The following is an entry in ClinVar:

NM_000587.4(C7):c.1529G>A (p.Ser510Asn)

Gene: C7 (complement C7; plus strand). Cytogenetic location: 5p13.1.
Variant type: single nucleotide variant.
Coding change: c.1529G>A on transcript NM_000587.4 (MANE Select); coding-DNA position 1529, G replaced by A.
Protein change: p.Ser510Asn; replaces serine 510 with asparagine.
Molecular consequence: missense variant.
Genome position (GRCh38, 1-based): chr5:40,959,488, G>A. VCF-style: chr5-40959488-G-A. GRCh37 (hg19) VCF-style: chr5-40959590-G-A.
Other names: short protein forms S510N.
Identifiers: ClinVar variation 1349871 (VCV001349871.5), dbSNP rs199971709, ClinGen allele CA3250007.

ClinVar aggregate classification (germline): Uncertain significance (1 of 4 stars; one submission).

Allele frequency attached by ClinVar (database versions not stated): gnomAD 0.00001 and 0.00002; 1000 Genomes Project 0.00020; 1000 Genomes Project 30x 0.00031.
gnomAD v4.1: 62 of 1,611,386 alleles (0.0038%); highest among the groups gnomAD compares: Admixed American, 0.1%; 2 homozygotes.

Submission:

Labcorp Genetics (formerly Invitae), Labcorp
Classification: Uncertain significance. Last evaluated: 2021-09-17. Review status: criteria provided, single submitter. Criteria: Invitae Variant Classification Sherloc (09022015). Collection method: clinical testing. Allele origin: germline.
Comment: This sequence change replaces serine with asparagine at codon 510 of the C7 protein (p.Ser510Asn). The serine residue is moderately conserved and there is a small physicochemical difference between serine and asparagine. This variant is present in population databases (rs199971709, ExAC 0.1%). This variant has not been reported in the literature in individuals with C7-related conditions. Algorithms developed to predict the effect of missense changes on protein structure and function are either unavailable or do not agree on the potential impact of this missense change (SIFT: "Deleterious"; PolyPhen-2: "Benign"; Align-GVGD: "Class C0"). In summary, the available evidence is currently insufficient to determine the role of this variant in disease. Therefore, it has been classified as a Variant of Uncertain Significance.